The following is an entry in ClinVar:

NM_001904.4(CTNNB1):c.1829_1832del (p.Ile610fs)

Gene: CTNNB1 (catenin beta 1; plus strand). Cytogenetic location: 3p22.1.
Variant type: Deletion.
Coding change: c.1829_1832del on transcript NM_001904.4 (MANE Select); coding-DNA positions 1829 to 1832, 4 bases deleted (TCCA; older notation c.1829_1832delTCCA).
Protein change: p.Ile610fs; shifts the reading frame from isoleucine 610.
Molecular consequence: frameshift variant.
Genome position (GRCh38, 1-based): chr3:41,236,374-41,236,377, TCCA deleted; deleting any 4 consecutive bases within chr3:41,236,372-41,236,377 gives the same sequence; the c. name uses the placement nearest the transcript's 3' end. VCF-style (leftmost placement, unchanged base first): chr3-41236371-ACATC-A. GRCh37 (hg19) VCF-style: chr3-41277862-ACATC-A.
Other names: c.1829_1832del, p.Ile610fs (NM_001098209.2, NM_001098210.2); c.1808_1811del, p.Ile603fs (NM_001330729.2); short protein forms I603fs, I610fs.
Identifiers: ClinVar variation 1029546 (VCV001029546.1), dbSNP rs2078435023, ClinGen allele CA1359766785.

ClinVar aggregate classification (germline): Pathogenic (1 of 4 stars; one submission).

Conditions:
Exudative vitreoretinopathy 7. Identifiers: MedGen C4539767, MONDO:0033123, OMIM 617572.

Submission:

Baylor Genetics
Classification: Pathogenic for Exudative vitreoretinopathy 7. Last evaluated: 2019-01-07. Review status: criteria provided, single submitter. Criteria: ACMG Guidelines, 2015. Collection method: clinical testing. Allele origin: unknown. Affected: yes.
Comment: This variant was determined to be pathogenic according to ACMG Guidelines, 2015 [PMID:25741868].